The following is an entry in ClinVar:

ClinVar aggregate classification (germline): Uncertain significance (1 of 4 stars; one submission).

Conditions:
Inborn genetic diseases. Identifiers: MedGen C0950123, MeSH D030342.

Submission:

Ambry Genetics
Classification: Uncertain significance for Inborn genetic diseases. Last evaluated: 2025-12-14. Review status: criteria provided, single submitter. Criteria: Ambry Variant Classification Scheme 2023. Collection method: clinical testing. Allele origin: germline.
Comment: The p.S1064I variant (also known as c.3191G>T), located in coding exon 32 of the FANCA gene, results from a G to T substitution at nucleotide position 3191. The serine at codon 1064 is replaced by isoleucine, an amino acid with dissimilar properties. This amino acid position is conserved. In addition, this alteration is predicted to be tolerated by in silico analysis. Based on the available evidence, the clinical significance of this variant remains unclear.

NM_000135.4(FANCA):c.3191G>T (p.Ser1064Ile)

Gene: FANCA (FA complementation group A; minus strand). Cytogenetic location: 16q24.3.
Variant type: single nucleotide variant.
Coding change: c.3191G>T on transcript NM_000135.4 (MANE Select); coding-DNA position 3191, G replaced by T.
Protein change: p.Ser1064Ile; replaces serine 1064 with isoleucine.
Molecular consequence: missense variant.
Genome position (GRCh38, 1-based): chr16:89,749,778, C>A on the plus strand (G>T on the coding strand, the complement: FANCA is on the minus strand). VCF-style: chr16-89749778-C-A. GRCh37 (hg19) VCF-style: chr16-89816186-C-A.
Other names: c.3191G>T, p.Ser1064Ile (NM_001286167.3); short protein forms S1064I.
Identifiers: ClinVar variation 4619320 (VCV004619320.1).
Genomic context (GRCh38, chr16:89,749,778, plus strand): 5'-AGTAGGTGTTACCGTTTGTACATTAGCAGCTCCCTCTGTCTCTGAAGGCTGGCAGCCACG[C>A]TCCACCCGCTTGTCAGAGCCTGGAGCCGTCTGCGGAAAATCTCAAAGAGGAAGTGCTCCT-3'
Protein context (NP_000126.2, residues 1054-1074): RRLQALTSGW[Ser1064Ile]VAASLQRQRE